The following is an entry in ClinVar:

NM_001323289.2(CDKL5):c.434A>G (p.His145Arg)

Gene: CDKL5 (cyclin dependent kinase like 5; plus strand). Cytogenetic location: Xp22.13.
Variant type: single nucleotide variant.
Coding change: c.434A>G on transcript NM_001323289.2 (MANE Select); coding-DNA position 434, A replaced by G.
Protein change: p.His145Arg; replaces histidine 145 with arginine.
Molecular consequence: missense variant.
Genome position (GRCh38, 1-based): chrX:18,581,921, A>G. VCF-style: chrX-18581921-A-G. GRCh37 (hg19) VCF-style: chrX-18600041-A-G.
Other names: c.434A>G, p.His145Arg (NM_001037343.2, NM_003159.3); short protein forms H145R.
Identifiers: ClinVar variation 4882292 (VCV004882292.2).
Genomic context (GRCh38, chrX:18,581,921, plus strand): 5'-ACTAATTTTTTTTTTATCTTGACACTCCAGATATAAAACCAGAAAATCTCTTAATCAGCC[A>G]CAATGATGTCCTAAAACTGTGTGACTTTGGTAAGTTAAAAAGAAATTAAGTCCTGGTACT-3'
Protein context (NP_001310218.1, residues 135-155): DIKPENLLIS[His145Arg]NDVLKLCDFG

ClinVar aggregate classification (germline): Uncertain significance (1 of 4 stars; one submission).

gnomAD v4.1: 1 of 1,198,884 alleles (0.000083%); highest among the groups gnomAD compares: Non-Finnish European, 0.00011%; no homozygotes.

Submission:

Dasa
Classification: Uncertain significance. Last evaluated: 2024-12-23. Review status: criteria provided, single submitter. Criteria: DASA Assertion Criteria. Collection method: clinical testing. Allele origin: germline.
Comment: NM_001323289.2(CDKL5):c.434A>G (p.His145Arg) is a missense variant that results in the substitution of histidine with arginine. This variant is rare in population databases. Computational prediction algorithms are consistent with a benign effect. The currently available literature and clinical evidence are not sufficient to establish a definitive association between this variant and the reported condition. Therefore, this variant is classified as a variant of uncertain significance.